The following is an entry in ClinVar:

NM_001367624.2(ZNF469):c.4884del (p.Arg1629fs)

Gene: ZNF469 (zinc finger protein 469; plus strand). Cytogenetic location: 16q24.2.
Variant type: Deletion.
Coding change: c.4884del on transcript NM_001367624.2 (MANE Select); coding-DNA position 4884, one base deleted (G; older notation c.4884delG).
Protein change: p.Arg1629fs; shifts the reading frame from arginine 1629.
Molecular consequence: frameshift variant.
Genome position (GRCh38, 1-based): chr16:88,432,354, G deleted. VCF-style (leftmost placement, unchanged base first): chr16-88432353-CG-C. GRCh37 (hg19) VCF-style: chr16-88498761-CG-C.
Other names: short protein forms R1629fs.
Identifiers: ClinVar variation 4727870 (VCV004727870.1).

ClinVar aggregate classification (germline): Pathogenic (1 of 4 stars; one submission).

Submission:

Labcorp Genetics (formerly Invitae), Labcorp
Classification: Pathogenic. Last evaluated: 2025-09-25. Review status: criteria provided, single submitter. Criteria: Invitae Variant Classification Sherloc (09022015). Collection method: clinical testing. Allele origin: germline.
Comment: This sequence change creates a premature translational stop signal (p.Arg1601Alafs*110) in the ZNF469 gene. While this is not anticipated to result in nonsense mediated decay, it is expected to disrupt the last 2325 amino acid(s) of the ZNF469 protein. This variant is not present in population databases (gnomAD no frequency). This variant has not been reported in the literature in individuals affected with ZNF469-related conditions. This variant disrupts a region of the ZNF469 protein in which other variant(s) (p.Pro3556Glnfs*136) have been determined to be pathogenic (PMID: 32671420). This suggests that this is a clinically significant region of the protein, and that variants that disrupt it are likely to be disease-causing. For these reasons, this variant has been classified as Pathogenic.

Literature cited by the submitters: PubMed 32671420.